The following is an entry in ClinVar:

ClinVar aggregate classification (germline): Uncertain significance (1 of 4 stars; one submission).

Conditions:
MHC class II deficiency. Also called: BLS, TYPE II; Bare lymphocyte syndrome 2. Identifiers: Orphanet 572, MedGen C5447452, MONDO:0008855.

Submission:

Labcorp Genetics (formerly Invitae), Labcorp
Classification: Uncertain significance for MHC class II deficiency. Last evaluated: 2021-05-27. Review status: criteria provided, single submitter. Criteria: Invitae Variant Classification Sherloc (09022015). Collection method: clinical testing. Allele origin: germline.
Comment: In summary, the available evidence is currently insufficient to determine the role of this variant in disease. Therefore, it has been classified as a Variant of Uncertain Significance. Algorithms developed to predict the effect of sequence changes on RNA splicing suggest that this variant is not likely to affect RNA splicing, but this prediction has not been confirmed by published transcriptional studies. This variant has not been reported in the literature in individuals with CIITA-related conditions. This variant is not present in population databases (ExAC no frequency). This sequence change affects codon 1106 of the CIITA mRNA. It is a 'silent' change, meaning that it does not change the encoded amino acid sequence of the CIITA protein. It affects a nucleotide within the consensus splice site of the intron.

NM_000246.4(CIITA):c.3318G>A (p.Ala1106=)

Gene: CIITA (class II major histocompatibility complex transactivator; plus strand). Cytogenetic location: 16p13.13.
Variant type: single nucleotide variant.
Coding change: c.3318G>A on transcript NM_000246.4 (MANE Select); coding-DNA position 3318, G replaced by A.
Protein change: p.Ala1106=; no amino-acid change (alanine 1106 retained).
Molecular consequence: synonymous variant. On other transcripts: non-coding transcript variant (1).
Genome position (GRCh38, 1-based): chr16:10,923,228, G>A. VCF-style: chr16-10923228-G-A. GRCh37 (hg19) VCF-style: chr16-11017085-G-A.
Other names: c.3321G>A, p.Ala1107= (NM_001286402.1, NM_001379332.1); c.1566G>A, p.Ala522= (NM_001286403.2); c.3174G>A, p.Ala1058= (NM_001379330.1); c.3171G>A, p.Ala1057= (NM_001379331.1); c.3318G>A, p.Ala1106= (NM_001379333.1); c.3249G>A, p.Ala1083= (NM_001379334.1).
Identifiers: ClinVar variation 1467221 (VCV001467221.8), dbSNP rs2145172165, ClinGen allele CA493582736.